The following is an entry in ClinVar:

ClinVar aggregate classification (germline): Uncertain significance (1 of 4 stars; one submission).

Allele frequency attached by ClinVar (database versions not stated): TOPMed below 0.00001; ExAC 0.00001; gnomAD 0.00001; gnomAD exomes 0.00001.
gnomAD v4.1: 4 of 1,613,964 alleles (0.00025%); highest among the groups gnomAD compares: Admixed American, 0.0067%; no homozygotes.

Submission:

Labcorp Genetics (formerly Invitae), Labcorp
Classification: Uncertain significance. Last evaluated: 2022-10-13. Review status: criteria provided, single submitter. Criteria: Invitae Variant Classification Sherloc (09022015). Collection method: clinical testing. Allele origin: germline.
Comment: This sequence change replaces lysine, which is basic and polar, with arginine, which is basic and polar, at codon 1034 of the ADAMTSL4 protein (p.Lys1034Arg). This variant is present in population databases (rs765312701, gnomAD 0.01%). This variant has not been reported in the literature in individuals affected with ADAMTSL4-related conditions. Advanced modeling of protein sequence and biophysical properties (such as structural, functional, and spatial information, amino acid conservation, physicochemical variation, residue mobility, and thermodynamic stability) performed at Invitae indicates that this missense variant is not expected to disrupt ADAMTSL4 protein function. In summary, the available evidence is currently insufficient to determine the role of this variant in disease. Therefore, it has been classified as a Variant of Uncertain Significance.

NM_019032.6(ADAMTSL4):c.3101A>G (p.Lys1034Arg)

Gene: ADAMTSL4 (ADAMTS like 4; plus strand). Cytogenetic location: 1q21.2.
Variant type: single nucleotide variant.
Coding change: c.3101A>G on transcript NM_019032.6 (MANE Select); coding-DNA position 3101, A replaced by G.
Protein change: p.Lys1034Arg; replaces lysine 1034 with arginine.
Molecular consequence: missense variant.
Genome position (GRCh38, 1-based): chr1:150,560,072, A>G. VCF-style: chr1-150560072-A-G. GRCh37 (hg19) VCF-style: chr1-150532548-A-G.
Other names: c.2984A>G, p.Lys995Arg (NM_001288607.2); c.3170A>G, p.Lys1057Arg (NM_001288608.2); c.3101A>G, p.Lys1034Arg (NM_001378596.1); short protein forms K1034R, K995R, K1057R.
Identifiers: ClinVar variation 1900868 (VCV001900868.2), dbSNP rs765312701, ClinGen allele CA1078956.